The following is an entry in ClinVar:

NM_017617.5(NOTCH1):c.4184A>T (p.Asn1395Ile)

Gene: NOTCH1 (notch receptor 1; minus strand). Cytogenetic location: 9q34.3.
Variant type: single nucleotide variant.
Coding change: c.4184A>T on transcript NM_017617.5 (MANE Select); coding-DNA position 4184, A replaced by T.
Protein change: p.Asn1395Ile; replaces asparagine 1395 with isoleucine.
Molecular consequence: missense variant.
Genome position (GRCh38, 1-based): chr9:136,505,712, T>A on the plus strand (A>T on the coding strand, the complement: NOTCH1 is on the minus strand). VCF-style: chr9-136505712-T-A. GRCh37 (hg19) VCF-style: chr9-139400164-T-A.
Other names: short protein forms N1395I.
Identifiers: ClinVar variation 1738520 (VCV001738520.3), dbSNP rs1221959299, ClinGen allele CA375649310.

ClinVar aggregate classification (germline): Uncertain significance (1 of 4 stars; one submission).

Conditions:
Familial thoracic aortic aneurysm and aortic dissection (TAAD). Also called: Thoracic aortic aneurysms and dissections. Identifiers: Orphanet 91387, MedGen C4707243, MONDO:0019625.

gnomAD v4.1: 3 of 1,600,900 alleles (0.00019%); highest among the groups gnomAD compares: East Asian, 0.0067%; no homozygotes.

Submission:

Ambry Genetics
Classification: Uncertain significance for Familial thoracic aortic aneurysm and aortic dissection. Last evaluated: 2024-08-31. Review status: criteria provided, single submitter. Criteria: Ambry Variant Classification Scheme 2023. Collection method: clinical testing. Allele origin: germline.
Comment: The p.N1395I variant (also known as c.4184A>T), located in coding exon 25 of the NOTCH1 gene, results from an A to T substitution at nucleotide position 4184. The asparagine at codon 1395 is replaced by isoleucine, an amino acid with dissimilar properties. This amino acid position is conserved. In addition, this alteration is predicted to be tolerated by in silico analysis. Since supporting evidence is limited at this time, the clinical significance of this alteration remains unclear.